The following is an entry in ClinVar:

NM_022168.4(IFIH1):c.1363A>G (p.Asn455Asp)

Gene: IFIH1 (interferon induced with helicase C domain 1; minus strand). Cytogenetic location: 2q24.2.
Variant type: single nucleotide variant.
Coding change: c.1363A>G on transcript NM_022168.4 (MANE Select); coding-DNA position 1363, A replaced by G.
Protein change: p.Asn455Asp; replaces asparagine 455 with aspartic acid.
Molecular consequence: missense variant.
Genome position (GRCh38, 1-based): chr2:162,281,489, T>C on the plus strand (A>G on the coding strand, the complement: IFIH1 is on the minus strand). VCF-style: chr2-162281489-T-C. GRCh37 (hg19) VCF-style: chr2-163137999-T-C.
Other names: short protein forms N455D.
Identifiers: ClinVar variation 1448977 (VCV001448977.9), dbSNP rs772981550, ClinGen allele CA1934542.

ClinVar aggregate classification (germline): Uncertain significance. Review status: criteria provided, multiple submitters, no conflicts (2 of 4 stars). 2 submissions from 2 submitters: Uncertain significance (2). Last evaluated 2023-06-13.

Conditions:
Singleton-Merten syndrome 1 (SGMRT1). Also called: Widened medullary cavities of bone, aortic calcification, abnormal dentition, and muscular weakness; Syndrome of widened medullary cavities of the metacarpals and phalanges, aortic calcification and abnormal dentition. Identifiers: Orphanet 85191, MedGen C4225427, MONDO:0024535, OMIM 182250.
Aicardi-Goutieres syndrome 7 (AGS7). Identifiers: Orphanet 51, MedGen C3888244, MONDO:0014367, OMIM 615846.

Allele frequency attached by ClinVar (database versions not stated): gnomAD 0.00001; gnomAD exomes 0.00001 and 0.00002; TOPMed 0.00001; ExAC 0.00003.
gnomAD v4.1: 19 of 1,612,012 alleles (0.0012%); highest among the groups gnomAD compares: Non-Finnish European, 0.0014%; no homozygotes.

Submissions (2):

Blueprint Genetics
Classification: Uncertain significance. Last evaluated: 2023-06-13. Review status: criteria provided, single submitter. Criteria: ACMG Guidelines, 2015. Collection method: clinical testing. Allele origin: germline.

Labcorp Genetics (formerly Invitae), Labcorp
Classification: Uncertain significance for Aicardi-Goutieres syndrome 7; Singleton-Merten syndrome 1. Last evaluated: 2022-08-09. Review status: criteria provided, single submitter. Criteria: Invitae Variant Classification Sherloc (09022015). Collection method: clinical testing. Allele origin: germline.
Comment: In summary, the available evidence is currently insufficient to determine the role of this variant in disease. Therefore, it has been classified as a Variant of Uncertain Significance. Algorithms developed to predict the effect of missense changes on protein structure and function are either unavailable or do not agree on the potential impact of this missense change (SIFT: "Tolerated"; PolyPhen-2: "Probably Damaging"; Align-GVGD: "Class C0"). ClinVar contains an entry for this variant (Variation ID: 1448977). This variant has not been reported in the literature in individuals affected with IFIH1-related conditions. This variant is present in population databases (rs772981550, gnomAD 0.004%). This sequence change replaces asparagine, which is neutral and polar, with aspartic acid, which is acidic and polar, at codon 455 of the IFIH1 protein (p.Asn455Asp).